The following is an entry in ClinVar:

ClinVar aggregate classification (germline): Pathogenic (1 of 4 stars; one submission).

Conditions:
Pheochromocytoma/paraganglioma syndrome 5. Also called: Paragangliomas 5; SDHA-Related Hereditary Paraganglioma-Pheochromocytoma Syndrome. Identifiers: Orphanet 29072, MedGen C3279992, MONDO:0013602, OMIM 614165.

Submission:

Myriad Genetics, Inc.
Classification: Pathogenic for Pheochromocytoma/paraganglioma syndrome 5. Last evaluated: 2023-10-11. Review status: criteria provided, single submitter. Criteria: Myriad Autosomal Dominant, Autosomal Recessive and X-Linked Classification Criteria (2023). Collection method: clinical testing. Allele origin: unknown.
Comment: This variant is considered pathogenic. This variant creates a termination codon and is predicted to result in premature protein truncation.

NM_004168.4(SDHA):c.244G>T (p.Glu82Ter)

Gene: SDHA (succinate dehydrogenase complex flavoprotein subunit A; plus strand). Cytogenetic location: 5p15.33.
Variant type: single nucleotide variant.
Coding change: c.244G>T on transcript NM_004168.4 (MANE Select); coding-DNA position 244, G replaced by T.
Protein change: p.Glu82Ter; replaces glutamic acid 82 with a stop codon.
Molecular consequence: nonsense.
Genome position (GRCh38, 1-based): chr5:224,453, G>T. VCF-style: chr5-224453-G-T. GRCh37 (hg19) VCF-style: chr5-224568-G-T.
Other names: c.244G>T, p.Glu82Ter (NM_001294332.2, NM_001330758.2); short protein forms E82*.
Identifiers: ClinVar variation 2673981 (VCV002673981.1), dbSNP rs2477286479, ClinGen allele CA359008558.
Genomic context (GRCh38, chr5:224,453, plus strand): 5'-TTTGATGCAGTGGTGGTAGGCGCTGGAGGGGCAGGCTTGCGAGCTGCATTTGGCCTTTCT[G>T]AGGCAGGGTTTAATACAGCATGTGTTACCAAGCTGTTTCCTACCAGGTCACACACTGTTG-3'